The following is an entry in ClinVar:

ClinVar aggregate classification (germline): Uncertain significance (1 of 4 stars; one submission).

Conditions:
Tuberous sclerosis syndrome (TSC). Also called: Tuberous Sclerosis Complex; Tuberous sclerosis. Identifiers: Orphanet 805, MedGen C0041341, MONDO:0001734.

Submission:

All of Us Research Program, National Institutes of Health
Classification: Uncertain significance for Tuberous sclerosis syndrome. Last evaluated: 2023-05-16. Review status: criteria provided, single submitter. Criteria: ACMG Guidelines, 2015. Collection method: clinical testing. Allele origin: germline. Inheritance: Autosomal dominant inheritance. Observed: 1 variant allele, 1 heterozygote.
Comment: This missense variant replaces glutamic acid with aspartic acid at codon 1655 of the TSC2 protein. Computational prediction suggests that this variant may have deleterious impact on protein structure and function (internally defined REVEL score threshold >= 0.7, PMID: 27666373). To our knowledge, functional studies have not been reported for this variant. This variant has not been reported in individuals affected with TSC2-related disorders in the literature. This variant has not been identified in the general population by the Genome Aggregation Database (gnomAD). The available evidence is insufficient to determine the role of this variant in disease conclusively. Therefore, this variant is classified as a Variant of Uncertain Significance.

This study involves interpretation of variants in research participants for the purpose of population health screening. Participant phenotype was not available at the time of variant classification. Additional details can be found in publication PMID: 35346344, PMCID: PMC8962531

NM_000548.5(TSC2):c.4965G>T (p.Glu1655Asp)

Gene: TSC2 (TSC complex subunit 2; plus strand). Cytogenetic location: 16p13.3.
Variant type: single nucleotide variant.
Coding change: c.4965G>T on transcript NM_000548.5 (MANE Select); coding-DNA position 4965, G replaced by T.
Protein change: p.Glu1655Asp; replaces glutamic acid 1655 with aspartic acid.
Molecular consequence: missense variant. On other transcripts: non-coding transcript variant (5).
Genome position (GRCh38, 1-based): chr16:2,086,847, G>T. VCF-style: chr16-2086847-G-T. GRCh37 (hg19) VCF-style: chr16-2136848-G-T.
Other names: c.4764G>T, p.Glu1588Asp (NM_001077183.3); c.4896G>T, p.Glu1632Asp (NM_001114382.3); c.4656G>T, p.Glu1552Asp (NM_001318827.2); c.4620G>T, p.Glu1540Asp (NM_001318829.2); c.4233G>T, p.Glu1411Asp (NM_001318831.2); c.4797G>T, p.Glu1599Asp (NM_001318832.2); c.4767G>T, p.Glu1589Asp (NM_001363528.2); c.4833G>T, p.Glu1611Asp (NM_001370404.1); and 26 more; short protein forms E1054D, E1140D, E1141D, E1163D, E1164D, E1184D, E1388D, E1389D.
Identifiers: ClinVar variation 3071138 (VCV003071138.1), dbSNP rs1336162242, ClinGen allele CA394309005.
Genomic context (GRCh38, chr16:2,086,847, plus strand): 5'-CGACAAGAAGCGCCACCTGGGCAACGACTTTGTGTCCATTGTCTACAATGACTCCGGTGA[G>T]GACTTCAAGCTTGGCACCATCAAGGTGAGTGAGGGGCCGTCAGTGAGGCTGGGCCCCAGG-3'
Protein context (NP_000539.2, residues 1645-1665): FVSIVYNDSG[Glu1655Asp]DFKLGTIKGQ